The following is an entry in ClinVar:

NM_018127.7(ELAC2):c.433-241G>A

Gene: ELAC2 (elaC ribonuclease Z 2; minus strand). Cytogenetic location: 17p12.
Variant type: single nucleotide variant.
Coding change: c.433-241G>A on transcript NM_018127.7 (MANE Select); 241 bases into the intron before coding-DNA position 433, G replaced by A.
Molecular consequence: intron variant.
Genome position (GRCh38, 1-based): chr17:13,014,737, C>T on the plus strand (G>A on the coding strand, the complement: ELAC2 is on the minus strand). VCF-style: chr17-13014737-C-T. GRCh37 (hg19) VCF-style: chr17-12918054-C-T.
Other names: c.433-241G>A (NM_001165962.2, NM_173717.2).
Identifiers: ClinVar variation 678501 (VCV000678501.1), dbSNP rs733890, ClinGen allele CA15911635.

ClinVar aggregate classification (germline): Benign (1 of 4 stars; one submission).

Allele frequency attached by ClinVar (database versions not stated): 1000 Genomes Project 0.22384; 1000 Genomes Project 30x 0.22908; TOPMed 0.28293; gnomAD 0.29118 and 0.29579.
gnomAD v4.1: 44,371 of 151,926 alleles (29%); highest among the groups gnomAD compares: Middle Eastern, 33%; 6,750 homozygotes.

Submission:

GeneDx
Classification: Benign. Last evaluated: 2018-06-14. Review status: criteria provided, single submitter. Criteria: GeneDx Variant Classification (06012015). Collection method: clinical testing. Allele origin: germline. Affected: yes.
Comment: This variant is considered likely benign or benign based on one or more of the following criteria: it is a conservative change, it occurs at a poorly conserved position in the protein, it is predicted to be benign by multiple in silico algorithms, and/or has population frequency not consistent with disease.